The following is an entry in ClinVar:

NM_000038.6(APC):c.4877C>A (p.Pro1626His)

Gene: APC (APC regulator of Wnt signaling pathway; plus strand). Cytogenetic location: 5q22.2.
Variant type: single nucleotide variant.
Coding change: c.4877C>A on transcript NM_000038.6 (MANE Select); coding-DNA position 4877, C replaced by A.
Protein change: p.Pro1626His; replaces proline 1626 with histidine.
Molecular consequence: missense variant.
Genome position (GRCh38, 1-based): chr5:112,840,471, C>A. VCF-style: chr5-112840471-C-A. GRCh37 (hg19) VCF-style: chr5-112176168-C-A.
Other names: c.4877C>A, p.Pro1626His (NM_001127510.3, NM_001354895.2); c.4823C>A, p.Pro1608His (NM_001127511.3); c.4931C>A, p.Pro1644His (NM_001354896.2); c.4907C>A, p.Pro1636His (NM_001354897.2); c.4802C>A, p.Pro1601His (NM_001354898.2); c.4793C>A, p.Pro1598His (NM_001354899.2); c.4754C>A, p.Pro1585His (NM_001354900.2); c.4700C>A, p.Pro1567His (NM_001354901.2); and 5 more; short protein forms P1626H, P1636H, P1466H, P1525H, P1567H, P1585H, P1500H, P1535H.
Identifiers: ClinVar variation 1037046 (VCV001037046.51), dbSNP rs1765792439, ClinGen allele CA16032017.
Genomic context (GRCh38, chr5:112,840,471, plus strand): 5'-CAAGGAAACCAAGTCAGCTGCCTGTGTACAAACTTCTACCATCACAAAACAGGTTGCAAC[C>A]CCAAAAGCATGTTAGTTTTACACCGGGGGATGATATGCCACGGGTGTATTGTGTTGAAGG-3'
Protein context (NP_000029.2, residues 1616-1636): KLLPSQNRLQ[Pro1626His]QKHVSFTPGD

ClinVar aggregate classification (germline): Uncertain significance. Review status: criteria provided, multiple submitters, no conflicts (2 of 4 stars). 3 submissions from 3 submitters: Uncertain significance (3). Last evaluated 2024-05-14.

Conditions:
Classic or attenuated familial adenomatous polyposis. Identifiers: MedGen CN372698, MONDO:0021057.
Hereditary cancer-predisposing syndrome. Also called: Neoplastic Syndromes, Hereditary; Hereditary Cancer Syndrome; Tumor predisposition; Hereditary neoplastic syndrome. Identifiers: Orphanet 140162, MedGen C0027672, MeSH D009386, MONDO:0015356.
Familial adenomatous polyposis 1 (FAP1). Also called: FAMILIAL ADENOMATOUS POLYPOSIS 1, ATTENUATED; POLYPOSIS, ADENOMATOUS INTESTINAL. Identifiers: MedGen C2713442, MONDO:0021056, OMIM 175100. Disease mechanism: loss of function.

gnomAD v4.1: 1 of 1,614,118 alleles (0.000062%); highest among the groups gnomAD compares: Non-Finnish European, 0.000085%; no homozygotes.

Submissions (3):

All of Us Research Program, National Institutes of Health
Classification: Uncertain significance for Classic or attenuated familial adenomatous polyposis. Last evaluated: 2024-05-14. Review status: criteria provided, single submitter. Criteria: ACMG Guidelines, 2015. Collection method: clinical testing. Allele origin: germline. Inheritance: Autosomal dominant inheritance. Observed: 1 variant allele, 1 heterozygote.
Comment: This missense variant replaces proline with histidine at codon 1626 of the APC protein. Computational prediction suggests that this variant may not impact protein structure and function (internally defined REVEL score threshold <= 0.5, PMID: 27666373). To our knowledge, functional studies have not been reported for this variant. This variant has not been reported in individuals affected with APC-related disorders in the literature. This variant has not been identified in the general population by the Genome Aggregation Database (gnomAD). The available evidence is insufficient to determine the role of this variant in disease conclusively. Therefore, this variant is classified as a Variant of Uncertain Significance.

This study involves interpretation of variants in research participants for the purpose of population health screening. Participant phenotype was not available at the time of variant classification. Additional details can be found in publication PMID: 35346344, PMCID: PMC8962531

Ambry Genetics
Classification: Uncertain significance for Hereditary cancer-predisposing syndrome. Last evaluated: 2021-03-24. Review status: criteria provided, single submitter. Criteria: Ambry Variant Classification Scheme 2023. Collection method: clinical testing. Allele origin: germline.
Comment: The p.P1626H variant (also known as c.4877C>A), located in coding exon 15 of the APC gene, results from a C to A substitution at nucleotide position 4877. The proline at codon 1626 is replaced by histidine, an amino acid with similar properties. This amino acid position is poorly conserved in available vertebrate species. In addition, in silico predictors for this gene do not accurately predict pathogenicity. Since supporting evidence is limited at this time, the clinical significance of this alteration remains unclear.

Labcorp Genetics (formerly Invitae), Labcorp
Classification: Uncertain significance for Familial adenomatous polyposis 1. Last evaluated: 2020-03-23. Review status: criteria provided, single submitter. Criteria: Invitae Variant Classification Sherloc (09022015). Collection method: clinical testing. Allele origin: germline.
Comment: In summary, the available evidence is currently insufficient to determine the role of this variant in disease. Therefore, it has been classified as a Variant of Uncertain Significance. Algorithms developed to predict the effect of missense changes on protein structure and function are either unavailable or do not agree on the potential impact of this missense change (SIFT: "Deleterious"; PolyPhen-2: "Benign"; Align-GVGD: "Class C0"). This variant has not been reported in the literature in individuals with APC-related conditions. This variant is not present in population databases (ExAC no frequency). This sequence change replaces proline with histidine at codon 1626 of the APC protein (p.Pro1626His). The proline residue is weakly conserved and there is a moderate physicochemical difference between proline and histidine.